The following is an entry in ClinVar:

NM_006757.4(TNNT3):c.461A>G (p.Tyr154Cys)

Gene: TNNT3 (troponin T3, fast skeletal type; plus strand). Cytogenetic location: 11p15.5.
Variant type: single nucleotide variant.
Coding change: c.461A>G on transcript NM_006757.4 (MANE Select); coding-DNA position 461, A replaced by G.
Protein change: p.Tyr154Cys; replaces tyrosine 154 with cysteine.
Molecular consequence: missense variant.
Genome position (GRCh38, 1-based): chr11:1,934,426, A>G. VCF-style: chr11-1934426-A-G. GRCh37 (hg19) VCF-style: chr11-1955656-A-G.
Other names: c.437A>G, p.Tyr146Cys (NM_001042780.3, NM_001042782.3, NM_001297646.2 and 2 more transcripts); c.455A>G, p.Tyr152Cys (NM_001042781.3, NM_001367842.1, NM_001367843.1); c.470A>G, p.Tyr157Cys (NM_001363561.2, NM_001367847.1); c.494A>G, p.Tyr165Cys (NM_001367846.1); c.458A>G, p.Tyr153Cys (NM_001367848.1); c.449A>G, p.Tyr150Cys (NM_001367849.1); c.404A>G, p.Tyr135Cys (NM_001367850.1); c.257A>G, p.Tyr86Cys (NM_001367851.1, NM_001367852.1); short protein forms Y135C, Y153C, Y146C, Y150C, Y154C, Y86C, Y152C, Y157C.
Identifiers: ClinVar variation 3658721 (VCV003658721.2).

ClinVar aggregate classification (germline): Uncertain significance (1 of 4 stars; one submission).

Submission:

Labcorp Genetics (formerly Invitae), Labcorp
Classification: Uncertain significance. Last evaluated: 2024-07-22. Review status: criteria provided, single submitter. Criteria: Invitae Variant Classification Sherloc (09022015). Collection method: clinical testing. Allele origin: germline.
Comment: This sequence change replaces tyrosine, which is neutral and polar, with cysteine, which is neutral and slightly polar, at codon 154 of the TNNT3 protein (p.Tyr154Cys). This variant is not present in population databases (gnomAD no frequency). This variant has not been reported in the literature in individuals affected with TNNT3-related conditions. An algorithm developed to predict the effect of missense changes on protein structure and function (PolyPhen-2) suggests that this variant is likely to be disruptive. In summary, the available evidence is currently insufficient to determine the role of this variant in disease. Therefore, it has been classified as a Variant of Uncertain Significance.